The following is an entry in ClinVar:

NM_000090.4(COL3A1):c.751A>G (p.Lys251Glu)

Gene: COL3A1 (collagen type III alpha 1 chain; plus strand). Cytogenetic location: 2q32.2.
Variant type: single nucleotide variant.
Coding change: c.751A>G on transcript NM_000090.4 (MANE Select); coding-DNA position 751, A replaced by G.
Protein change: p.Lys251Glu; replaces lysine 251 with glutamic acid.
Molecular consequence: missense variant.
Genome position (GRCh38, 1-based): chr2:188,990,313, A>G. VCF-style: chr2-188990313-A-G. GRCh37 (hg19) VCF-style: chr2-189855039-A-G.
Other names: short protein forms K251E.
Identifiers: ClinVar variation 3006074 (VCV003006074.3), dbSNP rs2469118580, ClinGen allele CA349849132.

ClinVar aggregate classification (germline): Uncertain significance (1 of 4 stars; one submission).

Conditions:
Ehlers-Danlos syndrome, type 4 (EDSVASC). Also called: Ehlers-Danlos syndrome vascular type; Ehlers Danlos syndrome, ecchymotic type; Ehlers Danlos syndrome, arterial type; Ehlers Danlos syndrome, Sack-Barabas type; Ehlers-Danlos Syndrome Type IV. Identifiers: Orphanet 286, MedGen C0268338, MONDO:0017314, OMIM 130050.

Submission:

Labcorp Genetics (formerly Invitae), Labcorp
Classification: Uncertain significance for Ehlers-Danlos syndrome, type 4. Last evaluated: 2022-10-28. Review status: criteria provided, single submitter. Criteria: Invitae Variant Classification Sherloc (09022015). Collection method: clinical testing. Allele origin: germline.
Comment: Advanced modeling of protein sequence and biophysical properties (such as structural, functional, and spatial information, amino acid conservation, physicochemical variation, residue mobility, and thermodynamic stability) performed at Invitae indicates that this missense variant is not expected to disrupt COL3A1 protein function. This variant has not been reported in the literature in individuals affected with COL3A1-related conditions. This variant is not present in population databases (gnomAD no frequency). This sequence change replaces lysine, which is basic and polar, with glutamic acid, which is acidic and polar, at codon 251 of the COL3A1 protein (p.Lys251Glu). In summary, the available evidence is currently insufficient to determine the role of this variant in disease. Therefore, it has been classified as a Variant of Uncertain Significance.